The following is an entry in ClinVar:

NM_006059.4(LAMC3):c.3124G>A (p.Asp1042Asn)

Gene: LAMC3 (laminin subunit gamma 3; plus strand). Cytogenetic location: 9q34.12.
Variant type: single nucleotide variant.
Coding change: c.3124G>A on transcript NM_006059.4 (MANE Select); coding-DNA position 3124, G replaced by A.
Protein change: p.Asp1042Asn; replaces aspartic acid 1042 with asparagine.
Molecular consequence: missense variant.
Genome position (GRCh38, 1-based): chr9:131,071,538, G>A. VCF-style: chr9-131071538-G-A. GRCh37 (hg19) VCF-style: chr9-133946925-G-A.
Other names: short protein forms D1042N.
Identifiers: ClinVar variation 1191418 (VCV001191418.6), dbSNP rs147088114, ClinGen allele CA5287687.

ClinVar aggregate classification (germline): Conflicting classifications of pathogenicity. Review status: criteria provided, conflicting classifications (1 of 4 stars). 3 submissions from 3 submitters: Uncertain significance (2); Likely benign (1). Last evaluated 2022-06-24.

Conditions:
Inborn genetic diseases. Identifiers: MedGen C0950123, MeSH D030342.

Allele frequency attached by ClinVar (database versions not stated): ExAC 0.00007; gnomAD exomes 0.00008; TOPMed 0.00009; gnomAD 0.00011 and 0.00013; ESP Exome Variant Server 0.00038.
gnomAD v4.1: 512 of 1,613,572 alleles (0.032%); highest among the groups gnomAD compares: Non-Finnish European, 0.041%; no homozygotes.

Submissions (3):

Labcorp Genetics (formerly Invitae), Labcorp
Classification: Uncertain significance. Last evaluated: 2022-06-24. Review status: criteria provided, single submitter. Criteria: Invitae Variant Classification Sherloc (09022015). Collection method: clinical testing. Allele origin: germline.
Comment: This sequence change replaces aspartic acid, which is acidic and polar, with asparagine, which is neutral and polar, at codon 1042 of the LAMC3 protein (p.Asp1042Asn). This variant is present in population databases (rs147088114, gnomAD 0.01%). This variant has not been reported in the literature in individuals affected with LAMC3-related conditions. ClinVar contains an entry for this variant (Variation ID: 1191418). Algorithms developed to predict the effect of missense changes on protein structure and function output the following: SIFT: "Tolerated"; PolyPhen-2: "Benign"; Align-GVGD: "Class C0". The asparagine amino acid residue is found in multiple mammalian species, which suggests that this missense change does not adversely affect protein function. In summary, the available evidence is currently insufficient to determine the role of this variant in disease. Therefore, it has been classified as a Variant of Uncertain Significance.

Ambry Genetics
Classification: Likely benign for Inborn genetic diseases. Last evaluated: 2022-03-29. Review status: criteria provided, single submitter. Criteria: Ambry Variant Classification Scheme 2023. Collection method: clinical testing. Allele origin: germline.

GeneDx
Classification: Uncertain significance. Last evaluated: 2019-07-29. Review status: criteria provided, single submitter. Criteria: GeneDx Variant Classification Process June 2021. Collection method: clinical testing. Allele origin: germline. Affected: yes.
Comment: Not observed at a significant frequency in large population cohorts (Lek et al., 2016); In silico analysis, which includes protein predictors and evolutionary conservation, supports that this variant does not alter protein structure/function; Has not been previously published as pathogenic or benign to our knowledge